The following is an entry in ClinVar:

NM_021930.6(RINT1):c.2006C>T (p.Ser669Phe)

Genes: EFCAB10 (EF-hand calcium binding domain 10; minus strand), RINT1 (RAD50 interactor 1; plus strand). Cytogenetic location: 7q22.3.
Variant type: single nucleotide variant.
Coding change: c.2006C>T on transcript NM_021930.6 (MANE Select); coding-DNA position 2006, C replaced by T.
Protein change: p.Ser669Phe; replaces serine 669 with phenylalanine.
Molecular consequence: missense variant. On other transcripts: 3 prime UTR variant (3), non-coding transcript variant (1).
Genome position (GRCh38, 1-based): chr7:105,565,396, C>T. VCF-style: chr7-105565396-C-T. GRCh37 (hg19) VCF-style: chr7-105205843-C-T.
Other names: c.*51G>A (NM_001355526.2); c.*153G>A (NM_001355530.2); c.*6G>A (NM_001355531.2); c.1772C>T, p.Ser591Phe (NM_001346599.2); c.983C>T, p.Ser328Phe (NM_001346600.2, NM_001346603.2); c.1082C>T, p.Ser361Phe (NM_001346601.2); short protein forms S591F, S328F, S669F, S361F.
Identifiers: ClinVar variation 3945961 (VCV003945961.1).
Genomic context (GRCh38, chr7:105,565,396, plus strand): 5'-GCCCGTTGCTGCTGACGTTACGAGACCATTTACTTCAGTTGGAGCAGCAGCTTTGTTTCT[C>T]CTTATTTAAAATTTTCTGGCAAATGCTTGTAGAGAAGCTGGATGTATACATCTACCAAGA-3'
Protein context (NP_068749.3, residues 659-679): LLQLEQQLCF[Ser669Phe]LFKIFWQMLV

ClinVar aggregate classification (germline): Uncertain significance (1 of 4 stars; one submission).

gnomAD v4.1: 2 of 1,614,116 alleles (0.00012%); highest among the groups gnomAD compares: East Asian, 0.0022%; no homozygotes.

Submission:

Ambry Genetics
Classification: Uncertain significance. Last evaluated: 2025-06-06. Review status: criteria provided, single submitter. Criteria: Ambry Variant Classification Scheme 2023. Collection method: clinical testing. Allele origin: germline.
Comment: The p.S669F variant (also known as c.2006C>T), located in coding exon 13 of the RINT1 gene, results from a C to T substitution at nucleotide position 2006. The serine at codon 669 is replaced by phenylalanine, an amino acid with highly dissimilar properties. This amino acid position is conserved. In addition, the in silico prediction for this alteration is inconclusive. Based on the available evidence, the clinical significance of this variant remains unclear.